The following is an entry in ClinVar:

NM_015627.3(LDLRAP1):c.656C>G (p.Ala219Gly)

Gene: LDLRAP1 (low density lipoprotein receptor adaptor protein 1; plus strand). Cytogenetic location: 1p36.11.
Variant type: single nucleotide variant.
Coding change: c.656C>G on transcript NM_015627.3 (MANE Select); coding-DNA position 656, C replaced by G.
Protein change: p.Ala219Gly; replaces alanine 219 with glycine.
Molecular consequence: missense variant.
Genome position (GRCh38, 1-based): chr1:25,563,700, C>G. VCF-style: chr1-25563700-C-G. GRCh37 (hg19) VCF-style: chr1-25890191-C-G.
Other names: c.656C>G (NM_015627.2); short protein forms A219G.
Identifiers: ClinVar variation 991801 (VCV000991801.3), dbSNP rs1448386026, ClinGen allele CA339074399.
Genomic context (GRCh38, chr1:25,563,700, plus strand): 5'-ACCTGACCGGATCCCTCACAGTGGTCGCCACTGGGAACCTGCTGGACTTAGAGGAGACAG[C>G]TAAGGCCCCGCTGTCCACGGTCAGCGCCAACACCACCAACATGGACGAGGTGCCGCGGCC-3'
Protein context (NP_056442.2, residues 209-229): TGNLLDLEET[Ala219Gly]KAPLSTVSAN

ClinVar aggregate classification (germline): Uncertain significance. Review status: criteria provided, single submitter (1 of 4 stars). 2 submissions from 2 submitters: Uncertain significance (1). 1 of the submissions does not count toward it. Last evaluated 2023-01-19.

Conditions:
Cardiovascular phenotype. Identifiers: MedGen CN230736.
Familial hypercholesterolemia. Also called: Familial hypercholesterolaemia. Identifiers: MedGen C0020445, MONDO:0005439.

Allele frequency attached by ClinVar (database versions not stated): gnomAD exomes below 0.00001.
gnomAD v4.1: 1 of 1,613,940 alleles (0.000062%); highest among the groups gnomAD compares: Non-Finnish European, 0.000085%; no homozygotes.

Submissions (2):

Ambry Genetics
Classification: Uncertain significance for Cardiovascular phenotype. Last evaluated: 2023-01-19. Review status: criteria provided, single submitter. Criteria: Ambry Variant Classification Scheme 2023. Collection method: clinical testing. Allele origin: germline.
Comment: The p.A219G variant (also known as c.656C>G), located in coding exon 7 of the LDLRAP1 gene, results from a C to G substitution at nucleotide position 656. The alanine at codon 219 is replaced by glycine, an amino acid with similar properties. This amino acid position is conserved. In addition, this alteration is predicted to be tolerated by in silico analysis. Since supporting evidence is limited at this time, the clinical significance of this alteration remains unclear.

Natera, Inc.
Classification: Uncertain significance for Familial hypercholesterolemia. Last evaluated: 2020-08-15. Review status: no assertion criteria provided. Collection method: clinical testing. Allele origin: germline. Not counted in ClinVar's aggregate classification.